The following is an entry in ClinVar:

ClinVar aggregate classification (germline): Pathogenic (1 of 4 stars; one submission).

Submission:

Labcorp Genetics (formerly Invitae), Labcorp
Classification: Pathogenic. Last evaluated: 2019-03-01. Review status: criteria provided, single submitter. Criteria: Invitae Variant Classification Sherloc (09022015). Collection method: clinical testing. Allele origin: germline.
Comment: For these reasons, this variant has been classified as Pathogenic. Loss-of-function variants in VPS13A are known to be pathogenic (PMID: 12404112, 21598378). This variant has not been reported in the literature in individuals with VPS13A-related conditions. This variant is not present in population databases (ExAC no frequency). This sequence change creates a premature translational stop signal (p.Gln1062*) in the VPS13A gene. It is expected to result in an absent or disrupted protein product.

Literature cited by the submitters: PubMed 12404112; PubMed 21598378.

NM_033305.3(VPS13A):c.3184C>T (p.Gln1062Ter)

Gene: VPS13A (vacuolar protein sorting 13 homolog A; plus strand). Cytogenetic location: 9q21.2.
Variant type: single nucleotide variant.
Coding change: c.3184C>T on transcript NM_033305.3 (MANE Select); coding-DNA position 3184, C replaced by T.
Protein change: p.Gln1062Ter; replaces glutamine 1062 with a stop codon.
Molecular consequence: nonsense. On other transcripts: intron variant (1).
Genome position (GRCh38, 1-based): chr9:77,283,420, C>T. VCF-style: chr9-77283420-C-T. GRCh37 (hg19) VCF-style: chr9-79898336-C-T.
Other names: c.3184C>T, p.Gln1062Ter (NM_001018038.3, NM_015186.4); c.3119-127C>T (NM_001018037.2); short protein forms Q1062*.
Identifiers: ClinVar variation 850391 (VCV000850391.7), dbSNP rs1827159007, ClinGen allele CA373846775.